The following is an entry in ClinVar:

NM_021072.4(HCN1):c.13G>A (p.Gly5Ser)

Gene: HCN1 (hyperpolarization activated cyclic nucleotide gated potassium channel 1; minus strand). Cytogenetic location: 5p12.
Variant type: single nucleotide variant.
Coding change: c.13G>A on transcript NM_021072.4 (MANE Select); coding-DNA position 13, G replaced by A.
Protein change: p.Gly5Ser; replaces glycine 5 with serine.
Molecular consequence: missense variant.
Genome position (GRCh38, 1-based): chr5:45,696,081, C>T on the plus strand (G>A on the coding strand, the complement: HCN1 is on the minus strand). VCF-style: chr5-45696081-C-T. GRCh37 (hg19) VCF-style: chr5-45696183-C-T.
Other names: short protein forms G5S.
Identifiers: ClinVar variation 3677308 (VCV003677308.2).

ClinVar aggregate classification (germline): Uncertain significance (1 of 4 stars; one submission).

Conditions:
Early-infantile DEE. Also called: Ohtahara syndrome; Early infantile epileptic encephalopathy with suppression bursts; Early infantile epileptic encephalopathy. Identifiers: Orphanet 1934, MedGen C0393706, MONDO:0800491.

gnomAD v4.1: 2 of 1,350,698 alleles (0.00015%); highest among the groups gnomAD compares: East Asian, 0.0038%; no homozygotes.

Submission:

Labcorp Genetics (formerly Invitae), Labcorp
Classification: Uncertain significance for Early-infantile DEE. Last evaluated: 2024-03-19. Review status: criteria provided, single submitter. Criteria: Invitae Variant Classification Sherloc (09022015). Collection method: clinical testing. Allele origin: germline.
Comment: This sequence change replaces glycine, which is neutral and non-polar, with serine, which is neutral and polar, at codon 5 of the HCN1 protein (p.Gly5Ser). This variant is not present in population databases (gnomAD no frequency). This variant has not been reported in the literature in individuals affected with HCN1-related conditions. Advanced modeling of protein sequence and biophysical properties (such as structural, functional, and spatial information, amino acid conservation, physicochemical variation, residue mobility, and thermodynamic stability) performed at Invitae indicates that this missense variant is not expected to disrupt HCN1 protein function with a negative predictive value of 95%. In summary, the available evidence is currently insufficient to determine the role of this variant in disease. Therefore, it has been classified as a Variant of Uncertain Significance.